The following is an entry in ClinVar:

NM_138615.3(DHX30):c.1930-1G>T

Gene: DHX30 (DExH-box helicase 30; plus strand). Cytogenetic location: 3p21.31.
Variant type: single nucleotide variant.
Coding change: c.1930-1G>T on transcript NM_138615.3 (MANE Select); the canonical splice acceptor site of the intron before coding-DNA position 1930, G replaced by T.
Molecular consequence: splice acceptor variant.
Genome position (GRCh38, 1-based): chr3:47,847,272, G>T. VCF-style: chr3-47847272-G-T. GRCh37 (hg19) VCF-style: chr3-47888762-G-T.
Other names: c.1846-1G>T (NM_001330990.2); c.1813-1G>T (NM_014966.4).
Identifiers: ClinVar variation 2571616 (VCV002571616.2), dbSNP rs2549295022, ClinGen allele CA352587919.

ClinVar aggregate classification (germline): Pathogenic (1 of 4 stars; one submission).

Conditions:
Autism, susceptiblity to. Also called: Austism, susceptibility to. Identifiers: MedGen CN301178, MONDO:0020836.

Submission:

Qatar Biomedical Research Institute, Hamad Bin Khalifa University
Classification: Pathogenic for Autism, susceptiblity to. Last evaluated: 2023-07-01. Review status: criteria provided, single submitter. Criteria: ACMG Guidelines, 2015. Collection method: research. Allele origin: de novo. Inheritance: Autosomal dominant inheritance. Affected: yes. Observed: 1 heterozygote.
Comment: This variant was not found in large sequencing databases and with 0.0001 % frequency in Qatar population database. ACMG interpretation as PVS1, PS2, PS4, PM2, PP2, PP3 indicated it as pathogenic variant. In summary, the c.1813-1G>T splicing variant in DHX30 meets our criteria to be classified as pathogenic due to being de novo, absence from controls, high CADD score and ACMG interpretation.